The following is an entry in ClinVar:

ClinVar aggregate classification (germline): Uncertain significance. Review status: criteria provided, multiple submitters, no conflicts (2 of 4 stars). 2 submissions from 2 submitters: Uncertain significance (2). Last evaluated 2026-06-11.

Conditions:
DAB1-related disorder. Also called: DAB1-related condition.

gnomAD v4.1: 8 of 1,598,584 alleles (0.0005%); highest among the groups gnomAD compares: African/African-American, 0.011%; no homozygotes.

Submissions (2):

PreventionGenetics, part of Exact Sciences
Classification: Uncertain significance for DAB1-related condition. Last evaluated: 2026-06-11. Review status: criteria provided, single submitter. Criteria: ACMG Guidelines, 2015. Collection method: clinical testing. Allele origin: germline.
Comment: The DAB1 c.1618C>T variant is predicted to result in the amino acid substitution p.Pro540Ser. To our knowledge, this variant has not been reported in the literature. This variant is reported in 0.011% of alleles in individuals of African descent in gnomAD. At this time, the clinical significance of this variant is uncertain due to the absence of conclusive functional and genetic evidence.

Ambry Genetics
Classification: Uncertain significance. Last evaluated: 2025-07-02. Review status: criteria provided, single submitter. Criteria: Ambry Variant Classification Scheme 2023. Collection method: clinical testing. Allele origin: germline.

NM_001365792.1(DAB1):c.1618C>T (p.Pro540Ser)

Gene: DAB1 (DAB adaptor protein 1; minus strand). Cytogenetic location: 1p32.2.
Variant type: single nucleotide variant.
Coding change: c.1618C>T on transcript NM_001365792.1 (MANE Select); coding-DNA position 1618, C replaced by T.
Protein change: p.Pro540Ser; replaces proline 540 with serine.
Molecular consequence: missense variant.
Genome position (GRCh38, 1-based): chr1:57,010,745, G>A on the plus strand (C>T on the coding strand, the complement: DAB1 is on the minus strand). VCF-style: chr1-57010745-G-A. GRCh37 (hg19) VCF-style: chr1-57476418-G-A.
Other names: c.1618C>T, p.Pro540Ser (NM_001353983.2, NM_001353985.2, NM_001365793.1 and 2 more transcripts); c.1612C>T, p.Pro538Ser (NM_001353986.2, NM_001379461.1); short protein forms P538S, P540S.
Identifiers: ClinVar variation 4237318 (VCV004237318.2).